The following is an entry in ClinVar:

ClinVar aggregate classification (germline): Likely pathogenic (1 of 4 stars; one submission).

Conditions:
Bartter disease type 1. Also called: HYPERPROSTAGLANDIN E SYNDROME 1; HYPOKALEMIC ALKALOSIS WITH HYPERCALCIURIA 1, ANTENATAL; Bartter syndrome, type 1, antenatal; Bartter Syndrome type 1. Identifiers: Orphanet 112, Orphanet 620217, MedGen C1866495, MONDO:0100344, OMIM 601678, MONDO:0011127.

Submission:

UAEU Genomics Laboratory, United Arab Emirates University
Classification: Likely pathogenic for Bartter disease type 1. Last evaluated: 2022-02-15. Review status: criteria provided, single submitter. Criteria: ACMG Guidelines, 2015. Collection method: research. Allele origin: germline. Affected: yes. Observed: 1 variant allele.
Comment: PM2, PVS1

NM_000338.3(SLC12A1):c.2818A>T (p.Lys940Ter)

Gene: SLC12A1 (solute carrier family 12 member 1; plus strand). Cytogenetic location: 15q21.1.
Variant type: single nucleotide variant.
Coding change: c.2818A>T on transcript NM_000338.3 (MANE Select); coding-DNA position 2818, A replaced by T.
Protein change: p.Lys940Ter; replaces lysine 940 with a stop codon.
Molecular consequence: nonsense.
Genome position (GRCh38, 1-based): chr15:48,288,461, A>T. VCF-style: chr15-48288461-A-T. GRCh37 (hg19) VCF-style: chr15-48580658-A-T.
Other names: c.2818A>T, p.Lys940Ter (NM_001184832.2, NM_001384136.1); short protein forms K940*.
Identifiers: ClinVar variation 5042551 (VCV005042551.1).
Genomic context (GRCh38, chr15:48,288,461, plus strand): 5'-CCAGGGTTAACACTTCTTATCCCCTATATCTTAACTCTCAGAAAAAAATGGAAAGACTGT[A>T]AATTAAGAATCTATGTGGGAGGGAAGATCAACCGCATTGAAGAAGAAAAAATTGTGTAAG-3'